The following is an entry in ClinVar:

ClinVar aggregate classification (germline): Uncertain significance. Review status: criteria provided, multiple submitters, no conflicts (2 of 4 stars). 3 submissions from 3 submitters: Uncertain significance (3). Last evaluated 2025-05-05.

Conditions:
Hereditary cancer-predisposing syndrome. Also called: Tumor predisposition; Neoplastic Syndromes, Hereditary; Hereditary Cancer Syndrome; Hereditary neoplastic syndrome. Identifiers: Orphanet 140162, MedGen C0027672, MeSH D009386, MONDO:0015356.
Mandibular hypoplasia-deafness-progeroid syndrome. Also called: Mandibular hypoplasia, deafness, progeroid features, and lipodystrophy syndrome. Identifiers: Orphanet 363649, MedGen C3715192, MONDO:0014157, OMIM 615381.
POLD1-related polyposis and colorectal cancer syndrome (CRCS10). Also called: Colorectal cancer 10; COLORECTAL CANCER, SUSCEPTIBILITY TO, ON CHROMOSOME 19q; Colorectal cancer, susceptibility to, 10. Identifiers: Orphanet 220460, MedGen C2675481, MONDO:0012953, OMIM 612591.
Immunodeficiency 120. Identifiers: MedGen C5935622, MONDO:0970994, OMIM 620836.

Allele frequency attached by ClinVar (database versions not stated): gnomAD exomes below 0.00001 and 0.00001; ExAC 0.00002.
gnomAD v4.1: 11 of 1,596,974 alleles (0.00069%); highest among the groups gnomAD compares: Non-Finnish European, 0.00094%; no homozygotes.

Submissions (3):

Labcorp Genetics (formerly Invitae), Labcorp
Classification: Uncertain significance for POLD1-related polyposis and colorectal cancer syndrome. Last evaluated: 2025-05-05. Review status: criteria provided, single submitter. Criteria: Invitae Variant Classification Sherloc (09022015). Collection method: clinical testing. Allele origin: germline.
Comment: This sequence change replaces aspartic acid, which is acidic and polar, with glycine, which is neutral and non-polar, at codon 26 of the POLD1 protein (p.Asp26Gly). The frequency data for this variant in the population databases is considered unreliable, as metrics indicate poor data quality at this position in the gnomAD database. This variant has not been reported in the literature in individuals affected with POLD1-related conditions. ClinVar contains an entry for this variant (Variation ID: 537056). An algorithm developed to predict the effect of missense changes on protein structure and function (PolyPhen-2) suggests that this variant is likely to be tolerated. In summary, the available evidence is currently insufficient to determine the role of this variant in disease. Therefore, it has been classified as a Variant of Uncertain Significance.

Ambry Genetics
Classification: Uncertain significance for Hereditary cancer-predisposing syndrome. Last evaluated: 2025-04-30. Review status: criteria provided, single submitter. Criteria: Ambry Variant Classification Scheme 2023. Collection method: clinical testing. Allele origin: germline.
Comment: The p.D26G variant (also known as c.77A>G), located in coding exon 1 of the POLD1 gene, results from an A to G substitution at nucleotide position 77. The aspartic acid at codon 26 is replaced by glycine, an amino acid with similar properties. This amino acid position is highly conserved in available vertebrate species. In addition, this alteration is predicted to be tolerated by in silico analysis. Based on the available evidence, the clinical significance of this variant remains unclear.

Fulgent Genetics
Classification: Uncertain significance for POLD1-related polyposis and colorectal cancer syndrome; Mandibular hypoplasia-deafness-progeroid syndrome; Immunodeficiency 120. Last evaluated: 2024-04-29. Review status: criteria provided, single submitter. Criteria: ACMG Guidelines, 2015. Collection method: clinical testing. Allele origin: germline.

NM_002691.4(POLD1):c.77A>G (p.Asp26Gly)

Gene: POLD1 (DNA polymerase delta 1, catalytic subunit; plus strand). Cytogenetic location: 19q13.33.
Variant type: single nucleotide variant.
Coding change: c.77A>G on transcript NM_002691.4 (MANE Select); coding-DNA position 77, A replaced by G.
Protein change: p.Asp26Gly; replaces aspartic acid 26 with glycine.
Molecular consequence: missense variant. On other transcripts: non-coding transcript variant (1).
Genome position (GRCh38, 1-based): chr19:50,398,928, A>G. VCF-style: chr19-50398928-A-G. GRCh37 (hg19) VCF-style: chr19-50902185-A-G.
Other names: c.77A>G, p.Asp26Gly (NM_001256849.1, NM_001308632.1); c.77A>G (NM_002691.2); short protein forms D26G.
Identifiers: ClinVar variation 537056 (VCV000537056.10), dbSNP rs760939854, ClinGen allele CA9595608.